The following is an entry in ClinVar:

ClinVar aggregate classification (germline): Uncertain significance (1 of 4 stars; one submission).

Submission:

Dasa
Classification: Uncertain significance. Last evaluated: 2024-12-23. Review status: criteria provided, single submitter. Criteria: DASA Assertion Criteria. Collection method: clinical testing. Allele origin: germline.
Comment: NM_014112.5(TRPS1):c.2243C>A (p.Thr748Asn) is a missense variant that results in the substitution of threonine with asparagine. This variant is absent from population databases. Computational prediction algorithms are consistent with a benign effect. The currently available literature and clinical evidence are not sufficient to establish a definitive association between this variant and the reported condition. Therefore, this variant is classified as a variant of uncertain significance.

NM_014112.5(TRPS1):c.2243C>A (p.Thr748Asn)

Gene: TRPS1 (transcriptional repressor GATA binding 1; minus strand). Cytogenetic location: 8q23.3.
Variant type: single nucleotide variant.
Coding change: c.2243C>A on transcript NM_014112.5 (MANE Select); coding-DNA position 2243, C replaced by A.
Protein change: p.Thr748Asn; replaces threonine 748 with asparagine.
Molecular consequence: missense variant.
Genome position (GRCh38, 1-based): chr8:115,587,458, G>T on the plus strand (C>A on the coding strand, the complement: TRPS1 is on the minus strand). VCF-style: chr8-115587458-G-T. GRCh37 (hg19) VCF-style: chr8-116599685-G-T.
Other names: c.2216C>A, p.Thr739Asn (NM_001282902.3); c.2222C>A, p.Thr741Asn (NM_001282903.3); c.2204C>A, p.Thr735Asn (NM_001330599.2); short protein forms T735N, T739N, T741N, T748N.
Identifiers: ClinVar variation 4881384 (VCV004881384.2).